The following is an entry in ClinVar:

NM_001242896.3(DEPDC5):c.907C>G (p.Gln303Glu)

Gene: DEPDC5 (DEP domain containing 5, GATOR1 subcomplex subunit; plus strand). Cytogenetic location: 22q12.2.
Variant type: single nucleotide variant.
Coding change: c.907C>G on transcript NM_001242896.3 (MANE Select); coding-DNA position 907, C replaced by G.
Protein change: p.Gln303Glu; replaces glutamine 303 with glutamic acid.
Molecular consequence: missense variant. On other transcripts: non-coding transcript variant (5).
Genome position (GRCh38, 1-based): chr22:31,798,617, C>G. VCF-style: chr22-31798617-C-G. GRCh37 (hg19) VCF-style: chr22-32194603-C-G.
Other names: c.907C>G, p.Gln303Glu (NM_001007188.4, NM_001136029.4, NM_001242897.2 and 7 more transcripts); c.823C>G, p.Gln275Glu (NM_001369901.1, NM_001369902.1); short protein forms Q303E, Q275E.
Identifiers: ClinVar variation 1363976 (VCV001363976.8), dbSNP rs1601935420, ClinGen allele CA411291667.
Genomic context (GRCh38, chr22:31,798,617, plus strand): 5'-CTTTCTCTTGCATATTTTGCTTCAGAGGGCTTTCCTCAAGGAGATAATTCTACCTCAGCA[C>G]AAGGAAACTACCTGGAGGCCATCAATCTGTCATTCAATGGTGAGTAAGGATGCCGGCCAT-3'
Protein context (NP_001229825.1, residues 293-313): FPQGDNSTSA[Gln303Glu]GNYLEAINLS

ClinVar aggregate classification (germline): Uncertain significance (1 of 4 stars; one submission).

Conditions:
Familial focal epilepsy with variable foci (FPEVF). Identifiers: Orphanet 98820, MedGen C1858477, MONDO:0020310.

Submission:

Labcorp Genetics (formerly Invitae), Labcorp
Classification: Uncertain significance for Familial focal epilepsy with variable foci. Last evaluated: 2022-08-10. Review status: criteria provided, single submitter. Criteria: Invitae Variant Classification Sherloc (09022015). Collection method: clinical testing. Allele origin: germline.
Comment: Algorithms developed to predict the effect of sequence changes on RNA splicing suggest that this variant may create or strengthen a splice site. In summary, the available evidence is currently insufficient to determine the role of this variant in disease. Therefore, it has been classified as a Variant of Uncertain Significance. Algorithms developed to predict the effect of missense changes on protein structure and function are either unavailable or do not agree on the potential impact of this missense change (SIFT: "Tolerated"; PolyPhen-2: "Not Available"; Align-GVGD: "Class C0"). ClinVar contains an entry for this variant (Variation ID: 1363976). This variant has not been reported in the literature in individuals affected with DEPDC5-related conditions. This variant is not present in population databases (gnomAD no frequency). This sequence change replaces glutamine, which is neutral and polar, with glutamic acid, which is acidic and polar, at codon 303 of the DEPDC5 protein (p.Gln303Glu).